The following is an entry in ClinVar:

ClinVar aggregate classification (germline): Uncertain significance (1 of 4 stars; one submission).

Conditions:
Epidermolysis bullosa simplex with nail dystrophy (EBS5D). Identifiers: MedGen C4225309, MONDO:0014661, OMIM 616487.
Autosomal recessive limb-girdle muscular dystrophy type 2Q (LGMDR17). Also called: MUSCULAR DYSTROPHY, LIMB-GIRDLE, AUTOSOMAL RECESSIVE 17. Identifiers: Orphanet 254361, MedGen C3150989, MONDO:0013390, OMIM 613723.
Epidermolysis bullosa simplex 5B, with muscular dystrophy (EBS5B). Also called: Epidermolysis bullosa simplex with muscular dystrophy; EPIDERMOLYSIS BULLOSA SIMPLEX AND LIMB-GIRDLE MUSCULAR DYSTROPHY. Identifiers: Orphanet 257, MedGen C2931072, MONDO:0009181, OMIM 226670.
Epidermolysis bullosa simplex 5C, with pyloric atresia (EBS5C). Also called: PLEC-Related Epidermolysis Bullosa with Pyloric Atresia; Epidermolysis bullosa simplex with pyloric atresia; PLEC1-Related Epidermolysis Bullosa with Pyloric Atresia. Identifiers: Orphanet 158684, MedGen C2677349, MONDO:0012807, OMIM 612138.
Epidermolysis bullosa simplex, Ogna type (EBS5A). Also called: Pidermolysis bullosa simplex 5A, Ogna type; EPIDERMOLYSIS BULLOSA SIMPLEX 5A, OGNA TYPE. Identifiers: Orphanet 79401, MedGen C0432317, MONDO:0007555, OMIM 131950.

Submission:

Labcorp Genetics (formerly Invitae), Labcorp
Classification: Uncertain significance for Autosomal recessive limb-girdle muscular dystrophy type 2Q; Epidermolysis bullosa simplex, Ogna type; Epidermolysis bullosa simplex with nail dystrophy; Epidermolysis bullosa simplex 5C, with pyloric atresia; Epidermolysis bullosa simplex 5B, with muscular dystrophy. Last evaluated: 2024-09-22. Review status: criteria provided, single submitter. Criteria: Invitae Variant Classification Sherloc (09022015). Collection method: clinical testing. Allele origin: germline.
Comment: This sequence change replaces leucine, which is neutral and non-polar, with phenylalanine, which is neutral and non-polar, at codon 103 of the PLEC protein (p.Leu103Phe). This variant is not present in population databases (gnomAD no frequency). This variant has not been reported in the literature in individuals affected with PLEC-related conditions. Experimental studies and prediction algorithms are not available or were not evaluated, and the functional significance of this variant is currently unknown. In summary, the available evidence is currently insufficient to determine the role of this variant in disease. Therefore, it has been classified as a Variant of Uncertain Significance.

NM_201384.3(PLEC):c.226C>T (p.Leu76Phe)

Gene: PLEC (plectin; minus strand). Cytogenetic location: 8q24.3.
Variant type: single nucleotide variant.
Coding change: c.226C>T on transcript NM_201384.3 (MANE Select); coding-DNA position 226, C replaced by T.
Protein change: p.Leu76Phe; replaces leucine 76 with phenylalanine.
Molecular consequence: missense variant.
Genome position (GRCh38, 1-based): chr8:143,938,189, G>A on the plus strand (C>T on the coding strand, the complement: PLEC is on the minus strand). VCF-style: chr8-143938189-G-A. GRCh37 (hg19) VCF-style: chr8-145012357-G-A.
Other names: c.307C>T, p.Leu103Phe (NM_000445.5, NM_001410941.1); c.184C>T, p.Leu62Phe (NM_201378.4); c.160C>T, p.Leu54Phe (NM_201379.3); c.637C>T, p.Leu213Phe (NM_201380.4); c.130C>T, p.Leu44Phe (NM_201381.3); c.226C>T, p.Leu76Phe (NM_201382.4); c.238C>T, p.Leu80Phe (NM_201383.3); short protein forms L103F, L213F, L44F, L54F, L62F, L76F, L80F.
Identifiers: ClinVar variation 3747944 (VCV003747944.2).
Genomic context (GRCh38, chr8:143,938,189, plus strand): 5'-GAGGGGGCAGGGGCACACGTACCAGGCTGTCCCCCGAGAGGACCTCCAGCAGGGAGATGA[G>A]GTTGTGGCCATCGCGGAGGTCTTCATACAGGTCACTGATGTGCCTCTGGGCCTGTGGGGA-3'
Protein context (NP_958786.1, residues 66-86): LYEDLRDGHN[Leu76Phe]ISLLEVLSGD